The following is an entry in ClinVar:

NC_000001.10:g.(?_24021140)_(24022863_?)del

Gene: RPL11 (ribosomal protein L11; plus strand). Cytogenetic location: 1p36.11.
Variant type: Deletion.
Identifiers: ClinVar variation 2423444 (VCV002423444.10).

ClinVar aggregate classification (germline): Pathogenic (1 of 4 stars; one submission).

Conditions:
Diamond-Blackfan anemia. Also called: Blackfan Diamond syndrome; Aregenerative anemia chronic congenital; Red cell aplasia, pure hereditary; Congenital hypoplastic anemia; Aase syndrome. Identifiers: Orphanet 124, MedGen C1260899, MeSH D029503, MONDO:0015253, HP:0004810.

Submission:

Labcorp Genetics (formerly Invitae), Labcorp
Classification: Pathogenic for Diamond-Blackfan anemia. Last evaluated: 2021-10-23. Review status: criteria provided, single submitter. Criteria: Invitae Variant Classification Sherloc (09022015). Collection method: clinical testing. Allele origin: germline.
Comment: For these reasons, this variant has been classified as Pathogenic. This variant disrupts a region of the RPL11 protein in which other variant(s) (p.Ile157Serfs*37, p.His155Glnfs*16, Deletion (exons 5-6)) have been determined to be pathogenic (PMID: 19773262; Invitae). This suggests that this is a clinically significant region of the protein, and that variants that disrupt it are likely to be disease-causing. Experimental studies and prediction algorithms are not available or were not evaluated, and the functional significance of this variant is currently unknown. This variant has not been reported in the literature in individuals affected with RPL11-related conditions. This variant is a gross deletion of the genomic region encompassing exon(s) 4-6 of the RPL11 gene, which includes the termination codon. This deletion extends beyond the assayed region for this gene and therefore may encompass additional genes. While this deletion is not anticipated to lead to nonsense mediated decay, it is expected to alter mRNA translation or result in a truncated protein product.

Literature cited by the submitters: PubMed 19773262.